The following is an entry in ClinVar:

ClinVar aggregate classification (germline): Uncertain significance (1 of 4 stars; one submission).

Conditions:
Pitt-Hopkins syndrome (PTHS). Also called: ENCEPHALOPATHY, SEVERE EPILEPTIC, WITH AUTONOMIC DYSFUNCTION; MENTAL RETARDATION, SYNDROMAL, WITH INTERMITTENT HYPERVENTILATION. Identifiers: Orphanet 2896, MedGen C1970431, MONDO:0012589, OMIM 610954.

Allele frequency attached by ClinVar (database versions not stated): TOPMed 0.00001.
gnomAD v4.1: 2 of 1,613,912 alleles (0.00012%); highest among the groups gnomAD compares: African/African-American, 0.0027%; no homozygotes.

Submission:

Labcorp Genetics (formerly Invitae), Labcorp
Classification: Uncertain significance for Pitt-Hopkins syndrome. Last evaluated: 2022-10-26. Review status: criteria provided, single submitter. Criteria: Invitae Variant Classification Sherloc (09022015). Collection method: clinical testing. Allele origin: germline.
Comment: In summary, the available evidence is currently insufficient to determine the role of this variant in disease. Therefore, it has been classified as a Variant of Uncertain Significance. Advanced modeling of protein sequence and biophysical properties (such as structural, functional, and spatial information, amino acid conservation, physicochemical variation, residue mobility, and thermodynamic stability) has been performed at Invitae for this missense variant, however the output from this modeling did not meet the statistical confidence thresholds required to predict the impact of this variant on TCF4 protein function. This variant has not been reported in the literature in individuals affected with TCF4-related conditions. This variant is present in population databases (no rsID available, gnomAD 0.01%). This sequence change replaces glycine, which is neutral and non-polar, with aspartic acid, which is acidic and polar, at codon 237 of the TCF4 protein (p.Gly237Asp).

NM_001083962.2(TCF4):c.710G>A (p.Gly237Asp)

Gene: TCF4 (transcription factor 4; minus strand). Cytogenetic location: 18q21.2.
Variant type: single nucleotide variant.
Coding change: c.710G>A on transcript NM_001083962.2 (MANE Select); coding-DNA position 710, G replaced by A.
Protein change: p.Gly237Asp; replaces glycine 237 with aspartic acid.
Molecular consequence: missense variant.
Genome position (GRCh38, 1-based): chr18:55,275,698, C>T on the plus strand (G>A on the coding strand, the complement: TCF4 is on the minus strand). VCF-style: chr18-55275698-C-T. GRCh37 (hg19) VCF-style: chr18-52942929-C-T.
Other names: c.638G>A, p.Gly213Asp (NM_001369579.1, NM_001348218.2, NM_001348219.2 and 9 more transcripts); c.584G>A, p.Gly195Asp (NM_001348211.2, NM_001243231.2); c.635G>A, p.Gly212Asp (NM_001348220.1, NM_001369576.1, NM_001369578.1 and 3 more transcripts); c.320G>A, p.Gly107Asp (NM_001348212.2, NM_001348213.2, NM_001243233.2 and 1 more transcripts); c.230G>A, p.Gly77Asp (NM_001348214.2, NM_001348216.2, NM_001243234.2 and 2 more transcripts); c.62G>A, p.Gly21Asp (NM_001348215.2); c.1016G>A, p.Gly339Asp (NM_001243226.3); c.728G>A, p.Gly243Asp (NM_001243228.2); and 4 more; short protein forms G107D, G166D, G195D, G212D, G213D, G21D, G235D, G236D.
Identifiers: ClinVar variation 1722224 (VCV001722224.5), dbSNP rs559539653, ClinGen allele CA402701566.
Genomic context (GRCh38, chr18:55,275,698, plus strand): 5'-AGGCTACAGTAGCTGCTGGACTGTGGAATATGAGAAGAGTTGCCCAACATTCCTGCATAG[C>T]CAGGCTGATTCATCCCACTGGAGGAGCTCCAAGGGTCACTGCTGTGATGGCCATCTGTAA-3'
Protein context (NP_001077431.1, residues 227-247): WSSSSGMNQP[Gly237Asp]YAGMLGNSSH